The following is an entry in ClinVar:

ClinVar aggregate classification (germline): Uncertain significance. Review status: criteria provided, multiple submitters, no conflicts (2 of 4 stars). 4 submissions from 4 submitters: Uncertain significance (4). Last evaluated 2022-09-19.

Conditions:
Inborn genetic diseases. Identifiers: MedGen C0950123, MeSH D030342.
Weill-Marchesani syndrome 3 (WMS3). Also called: Weill-Marchesani syndrome 3, recessive; LTBP2-Related Weill-Marchesani Syndrome. Identifiers: Orphanet 3449, MedGen C3553785, MONDO:0013899, OMIM 614819.
Glaucoma 3, primary congenital, D. Identifiers: Orphanet 98976, MedGen C2751316, MONDO:0013122, OMIM 613086.
Microspherophakia and/or megalocornea, with ectopia lentis and with or without secondary glaucoma (MSPKA). Identifiers: Orphanet 238763, MedGen C3538951, MONDO:0009633, OMIM 251750.
Glaucoma 3, primary infantile, B. Also called: GLAUCOMA, PRIMARY CONGENITAL, TYPE B; GLC3B; GLC3 type B; Primary congenital glaucoma type 3B; Glaucoma primary congenita type 3B. Identifiers: Orphanet 98976, MedGen C1832977, MONDO:0010968, OMIM 600975.

Allele frequency attached by ClinVar (database versions not stated): TOPMed 0.00016; ExAC 0.00017; gnomAD exomes 0.00017 and 0.00023; ESP Exome Variant Server 0.00038.
gnomAD v4.1: 390 of 1,611,140 alleles (0.024%); highest among the groups gnomAD compares: Middle Eastern, 0.1%; 1 homozygote.

Submissions (4):

Labcorp Genetics (formerly Invitae), Labcorp
Classification: Uncertain significance. Last evaluated: 2022-09-19. Review status: criteria provided, single submitter. Criteria: Invitae Variant Classification Sherloc (09022015). Collection method: clinical testing. Allele origin: germline.
Comment: This sequence change replaces proline, which is neutral and non-polar, with leucine, which is neutral and non-polar, at codon 317 of the LTBP2 protein (p.Pro317Leu). This variant is present in population databases (rs148766628, gnomAD 0.04%). This variant has not been reported in the literature in individuals affected with LTBP2-related conditions. ClinVar contains an entry for this variant (Variation ID: 1510194). Algorithms developed to predict the effect of missense changes on protein structure and function output the following: SIFT: "Tolerated"; PolyPhen-2: "Benign"; Align-GVGD: "Class C0". The leucine amino acid residue is found in multiple mammalian species, which suggests that this missense change does not adversely affect protein function. In summary, the available evidence is currently insufficient to determine the role of this variant in disease. Therefore, it has been classified as a Variant of Uncertain Significance.

Fulgent Genetics
Classification: Uncertain significance for Microspherophakia and/or megalocornea, with ectopia lentis and with or without secondary glaucoma; Glaucoma 3, primary infantile, B; Glaucoma 3, primary congenital, D; Weill-Marchesani syndrome 3. Last evaluated: 2021-11-11. Review status: criteria provided, single submitter. Criteria: ACMG Guidelines, 2015. Collection method: clinical testing. Allele origin: unknown.

Ambry Genetics
Classification: Uncertain significance for Inborn genetic diseases. Last evaluated: 2021-09-17. Review status: criteria provided, single submitter. Criteria: Ambry Variant Classification Scheme 2023. Collection method: clinical testing. Allele origin: germline.

Breakthrough Genomics
Classification: Uncertain significance. Review status: criteria provided, single submitter. Criteria: ACMG Guidelines, 2015. Collection method: not provided. Allele origin: germline. Inheritance: Autosomal recessive inheritance. Affected: yes.

NM_000428.3(LTBP2):c.950C>T (p.Pro317Leu)

Gene: LTBP2 (latent transforming growth factor beta binding protein 2; minus strand). Cytogenetic location: 14q24.3.
Variant type: single nucleotide variant.
Coding change: c.950C>T on transcript NM_000428.3 (MANE Select); coding-DNA position 950, C replaced by T.
Protein change: p.Pro317Leu; replaces proline 317 with leucine.
Molecular consequence: missense variant.
Genome position (GRCh38, 1-based): chr14:74,555,574, G>A on the plus strand (C>T on the coding strand, the complement: LTBP2 is on the minus strand). VCF-style: chr14-74555574-G-A. GRCh37 (hg19) VCF-style: chr14-75022277-G-A.
Other names: c.950C>T (NM_000428.2); short protein forms P317L.
Identifiers: ClinVar variation 1510194 (VCV001510194.6), dbSNP rs148766628, ClinGen allele CA7270034.